The following is an entry in ClinVar:

NM_001005361.3(DNM2):c.1732G>A (p.Gly578Ser)

Gene: DNM2 (dynamin 2; plus strand). Cytogenetic location: 19p13.2.
Variant type: single nucleotide variant.
Coding change: c.1732G>A on transcript NM_001005361.3 (MANE Select); coding-DNA position 1732, G replaced by A.
Protein change: p.Gly578Ser; replaces glycine 578 with serine.
Molecular consequence: missense variant.
Genome position (GRCh38, 1-based): chr19:10,820,040, G>A. VCF-style: chr19-10820040-G-A. GRCh37 (hg19) VCF-style: chr19-10930716-G-A.
Other names: c.1732G>A, p.Gly578Ser (NM_001005360.3, NM_001190716.2); c.1720G>A, p.Gly574Ser (NM_001005362.3, NM_004945.4); short protein forms G574S, G578S.
Identifiers: ClinVar variation 2821973 (VCV002821973.4), dbSNP rs2513333475, ClinGen allele CA404040433.
Genomic context (GRCh38, chr19:10,820,040, plus strand): 5'-GAGAAAGAGAAGAAGTACATGCTGCCTCTGGACAACCTCAAGATCCGTGATGTGGAGAAG[G>A]GCTTCATGTCCAACAAGCACGTCTTCGCCATCTTCAACACGGAGCAGAGGTGAGGGGCCC-3'
Protein context (NP_001005361.1, residues 568-588): DNLKIRDVEK[Gly578Ser]FMSNKHVFAI

ClinVar aggregate classification (germline): Uncertain significance. Review status: criteria provided, multiple submitters, no conflicts (2 of 4 stars). 2 submissions from 2 submitters: Uncertain significance (2). Last evaluated 2026-04-09.

Conditions:
Charcot-Marie-Tooth disease dominant intermediate B (CMTDIB). Also called: CHARCOT-MARIE-TOOTH NEUROPATHY, DOMINANT INTERMEDIATE B; Charcot-Marie-Tooth disease dominant intermediate 1; CMT DI1; Charcot-Marie-Tooth disease dominant intermediate I. Identifiers: Orphanet 100044, Orphanet 228179, MedGen C1847902, MONDO:0011674, OMIM 606482.

Allele frequency attached by ClinVar (database versions not stated): gnomAD exomes below 0.00001.
gnomAD v4.1: 1 of 1,614,182 alleles (0.000062%); highest among the groups gnomAD compares: Middle Eastern, 0.016%; no homozygotes.

Submissions (2):

GeneDx
Classification: Uncertain significance. Last evaluated: 2026-04-09. Review status: criteria provided, single submitter. Criteria: GeneDx Variant Classification Process June 2021. Collection method: clinical testing. Allele origin: germline.
Comment: Not observed at significant frequency in large population cohorts (gnomAD); In silico analysis supports that this missense variant has a deleterious effect on protein structure/function; Has not been previously published as pathogenic or benign to our knowledge; This variant is associated with the following publications: (PMID: 16227997)

Labcorp Genetics (formerly Invitae), Labcorp
Classification: Uncertain significance for Charcot-Marie-Tooth disease dominant intermediate B. Last evaluated: 2023-05-01. Review status: criteria provided, single submitter. Criteria: Invitae Variant Classification Sherloc (09022015). Collection method: clinical testing. Allele origin: germline.
Comment: This sequence change replaces glycine, which is neutral and non-polar, with serine, which is neutral and polar, at codon 578 of the DNM2 protein (p.Gly578Ser). This variant is not present in population databases (gnomAD no frequency). This variant has not been reported in the literature in individuals affected with DNM2-related conditions. Advanced modeling of protein sequence and biophysical properties (such as structural, functional, and spatial information, amino acid conservation, physicochemical variation, residue mobility, and thermodynamic stability) has been performed at Invitae for this missense variant, however the output from this modeling did not meet the statistical confidence thresholds required to predict the impact of this variant on DNM2 protein function. In summary, the available evidence is currently insufficient to determine the role of this variant in disease. Therefore, it has been classified as a Variant of Uncertain Significance.